The following is an entry in ClinVar:

NM_018518.5(MCM10):c.333G>A (p.Thr111=)

Gene: MCM10 (minichromosome maintenance 10 replication initiation factor; plus strand). Cytogenetic location: 10p13.
Variant type: single nucleotide variant.
Coding change: c.333G>A on transcript NM_018518.5 (MANE Select); coding-DNA position 333, G replaced by A.
Protein change: p.Thr111=; no amino-acid change (threonine 111 retained).
Molecular consequence: synonymous variant.
Genome position (GRCh38, 1-based): chr10:13,171,247, G>A. VCF-style: chr10-13171247-G-A. GRCh37 (hg19) VCF-style: chr10-13213247-G-A.
Other names: c.333G>A, p.Thr111= (NM_182751.3).
Identifiers: ClinVar variation 709266 (VCV000709266.21), dbSNP rs142919178, ClinGen allele CA5411168.

ClinVar aggregate classification (germline): Likely benign. Review status: criteria provided, multiple submitters, no conflicts (2 of 4 stars). 3 submissions from 3 submitters: Likely benign (3). Last evaluated 2025-11-01.

Allele frequency attached by ClinVar (database versions not stated): 1000 Genomes Project 30x 0.00031; ESP Exome Variant Server 0.00038; 1000 Genomes Project 0.00040; gnomAD exomes 0.00041; TOPMed 0.00042; ExAC 0.00046; gnomAD 0.00050.
gnomAD v4.1: 1,249 of 1,609,502 alleles (0.078%); highest among the groups gnomAD compares: Non-Finnish European, 0.098%; 1 homozygote.

Submissions (3):

CeGaT Center for Human Genetics Tuebingen
Classification: Likely benign. Last evaluated: 2025-11-01. Review status: criteria provided, single submitter. Criteria: CeGaT Center For Human Genetics Tuebingen Variant Classification Criteria Version 2. Collection method: clinical testing. Allele origin: germline. Affected: yes. Observed: 2 variant alleles.
Comment: MCM10: BP4, BP7

Ambry Genetics
Classification: Likely benign. Last evaluated: 2023-06-12. Review status: criteria provided, single submitter. Criteria: Ambry Variant Classification Scheme 2023. Collection method: clinical testing. Allele origin: germline.

Labcorp Genetics (formerly Invitae), Labcorp
Classification: Likely benign. Last evaluated: 2018-07-31. Review status: criteria provided, single submitter. Criteria: Invitae Variant Classification Sherloc (09022015). Collection method: clinical testing. Allele origin: germline.